The following is an entry in ClinVar:

NM_022114.4(PRDM16):c.2255A>T (p.Lys752Met)

Gene: PRDM16 (PR/SET domain 16; plus strand). Cytogenetic location: 1p36.32.
Variant type: single nucleotide variant.
Coding change: c.2255A>T on transcript NM_022114.4 (MANE Select); coding-DNA position 2255, A replaced by T.
Protein change: p.Lys752Met; replaces lysine 752 with methionine.
Molecular consequence: missense variant.
Genome position (GRCh38, 1-based): chr1:3,412,452, A>T. VCF-style: chr1-3412452-A-T. GRCh37 (hg19) VCF-style: chr1-3329016-A-T.
Other names: c.2255A>T, p.Lys752Met (NM_199454.3); short protein forms K752M.
Identifiers: ClinVar variation 3730440 (VCV003730440.2).

ClinVar aggregate classification (germline): Uncertain significance (1 of 4 stars; one submission).

Conditions:
Left ventricular noncompaction 8 (LVNC8). Identifiers: Orphanet 154, Orphanet 54260, MedGen C3809288, MONDO:0014152, OMIM 615373.

gnomAD v4.1: 1 of 1,613,272 alleles (0.000062%); no homozygotes.

Submission:

Labcorp Genetics (formerly Invitae), Labcorp
Classification: Uncertain significance for Left ventricular noncompaction 8. Last evaluated: 2025-07-03. Review status: criteria provided, single submitter. Criteria: Invitae Variant Classification Sherloc (09022015). Collection method: clinical testing. Allele origin: germline.
Comment: This sequence change replaces lysine, which is basic and polar, with methionine, which is neutral and non-polar, at codon 752 of the PRDM16 protein (p.Lys752Met). This variant is not present in population databases (gnomAD no frequency). This variant has not been reported in the literature in individuals affected with PRDM16-related conditions. ClinVar contains an entry for this variant (Variation ID: 3730440). An algorithm developed to predict the effect of missense changes on protein structure and function (PolyPhen-2) suggests that this variant is likely to be disruptive. In summary, the available evidence is currently insufficient to determine the role of this variant in disease. Therefore, it has been classified as a Variant of Uncertain Significance.